The following is an entry in ClinVar:

NM_003835.4(RGS9):c.502G>T (p.Ala168Ser)

Gene: RGS9 (regulator of G protein signaling 9; plus strand). Cytogenetic location: 17q24.1.
Variant type: single nucleotide variant.
Coding change: c.502G>T on transcript NM_003835.4 (MANE Select); coding-DNA position 502, G replaced by T.
Protein change: p.Ala168Ser; replaces alanine 168 with serine.
Molecular consequence: missense variant.
Genome position (GRCh38, 1-based): chr17:65,168,201, G>T. VCF-style: chr17-65168201-G-T. GRCh37 (hg19) VCF-style: chr17-63164319-G-T.
Other names: c.502G>T, p.Ala168Ser (NM_001081955.3, NM_001165933.2); short protein forms A168S.
Identifiers: ClinVar variation 941923 (VCV000941923.6), dbSNP rs188902140, ClinGen allele CA8717708.
Genomic context (GRCh38, chr17:65,168,201, plus strand): 5'-ATCACTAATCAAAAGACACAAAGTCTTCCTGGCCTTACACGTGGCTTTTGGCTTTCCAGG[G>T]CTGGAAAGGAGAGGAACAAAGCAGACAGATATGCCCTGGACTGCCAGGAGAAGGCATACT-3'
Protein context (NP_003826.2, residues 158-178): VIMQAKEQYR[Ala168Ser]GKERNKADRY

ClinVar aggregate classification (germline): Conflicting classifications of pathogenicity. Review status: criteria provided, conflicting classifications (1 of 4 stars). 2 submissions from 2 submitters: Uncertain significance (1); Likely benign (1). Last evaluated 2024-10-01.

Allele frequency attached by ClinVar (database versions not stated): 1000 Genomes Project 30x 0.00016; TOPMed 0.00016; 1000 Genomes Project 0.00020; ESP Exome Variant Server 0.00024.
gnomAD v4.1: 474 of 1,607,542 alleles (0.029%); highest among the groups gnomAD compares: Non-Finnish European, 0.035%; 1 homozygote.

Submissions (2):

Blueprint Genetics
Classification: Likely benign. Last evaluated: 2024-10-01. Review status: criteria provided, single submitter. Criteria: ACMG Guidelines, 2015. Collection method: clinical testing. Allele origin: germline.

Labcorp Genetics (formerly Invitae), Labcorp
Classification: Uncertain significance. Last evaluated: 2022-08-01. Review status: criteria provided, single submitter. Criteria: Invitae Variant Classification Sherloc (09022015). Collection method: clinical testing. Allele origin: germline.
Comment: This sequence change replaces alanine, which is neutral and non-polar, with serine, which is neutral and polar, at codon 168 of the RGS9 protein (p.Ala168Ser). This variant is present in population databases (rs188902140, gnomAD 0.06%). This variant has not been reported in the literature in individuals affected with RGS9-related conditions. ClinVar contains an entry for this variant (Variation ID: 941923). Algorithms developed to predict the effect of missense changes on protein structure and function are either unavailable or do not agree on the potential impact of this missense change (SIFT: "Tolerated"; PolyPhen-2: "Possibly Damaging"; Align-GVGD: "Class C0"). Algorithms developed to predict the effect of sequence changes on RNA splicing suggest that this variant may create or strengthen a splice site. In summary, the available evidence is currently insufficient to determine the role of this variant in disease. Therefore, it has been classified as a Variant of Uncertain Significance.